The following is an entry in ClinVar:

NM_006796.3(AFG3L2):c.2267A>G (p.Tyr756Cys)

Genes: AFG3L2 (AFG3 like matrix AAA peptidase subunit 2; minus strand), TUBB6 (tubulin beta 6 class V; plus strand). Cytogenetic location: 18p11.21.
Variant type: single nucleotide variant.
Coding change: c.2267A>G on transcript NM_006796.3 (MANE Select); coding-DNA position 2267, A replaced by G.
Protein change: p.Tyr756Cys; replaces tyrosine 756 with cysteine.
Molecular consequence: missense variant. On other transcripts: 3 prime UTR variant (1).
Genome position (GRCh38, 1-based): chr18:12,329,692, T>C on the plus strand (A>G on the coding strand, the complement: AFG3L2 is on the minus strand). VCF-style: chr18-12329692-T-C. GRCh37 (hg19) VCF-style: chr18-12329691-T-C.
Other names: c.*509T>C (NM_001303525.2); short protein forms Y756C.
Identifiers: ClinVar variation 4681854 (VCV004681854.5).

ClinVar aggregate classification (germline): Uncertain significance (1 of 4 stars; one submission).

gnomAD v4.1: 2 of 1,614,192 alleles (0.00012%); highest among the groups gnomAD compares: South Asian, 0.0011%; no homozygotes.

Submission:

CeGaT Center for Human Genetics Tuebingen
Classification: Uncertain significance. Last evaluated: 2025-12-01. Review status: criteria provided, single submitter. Criteria: CeGaT Center For Human Genetics Tuebingen Variant Classification Criteria Version 2. Collection method: clinical testing. Allele origin: germline. Affected: yes. Observed: 1 variant allele.
Comment: AFG3L2: PM2, PP3